The following is an entry in ClinVar:

NM_000059.4(BRCA2):c.9549A>G (p.Ile3183Met)

Gene: BRCA2 (BRCA2 DNA repair associated; plus strand). Cytogenetic location: 13q13.1.
Variant type: single nucleotide variant.
Coding change: c.9549A>G on transcript NM_000059.4 (MANE Select); coding-DNA position 9549, A replaced by G.
Protein change: p.Ile3183Met; replaces isoleucine 3183 with methionine.
Molecular consequence: missense variant.
Genome position (GRCh38, 1-based): chr13:32,396,945, A>G. VCF-style: chr13-32396945-A-G. GRCh37 (hg19) VCF-style: chr13-32971082-A-G.
Other names: short protein forms I3183M.
Identifiers: ClinVar variation 957872 (VCV000957872.10), dbSNP rs2073040676, ClinGen allele CA387763194.

ClinVar aggregate classification (germline): Uncertain significance (1 of 4 stars; one submission).

Conditions:
Hereditary breast ovarian cancer syndrome. Also called: Hereditary breast and ovarian cancer; BRCA1- and BRCA2-Associated Hereditary Breast and Ovarian Cancer; Hereditary breast and/or ovarian cancer syndrome; Hereditary breast and ovarian cancer syndrome; Hereditary breast and ovarian cancer syndrome (HBOC); Breast and ovarian cancer. Identifiers: Orphanet 145, MedGen C0677776, MeSH D061325, MONDO:0003582. Disease mechanism: loss of function.

Submission:

Labcorp Genetics (formerly Invitae), Labcorp
Classification: Uncertain significance for Hereditary breast ovarian cancer syndrome. Last evaluated: 2024-08-05. Review status: criteria provided, single submitter. Criteria: Invitae Variant Classification Sherloc (09022015). Collection method: clinical testing. Allele origin: germline.
Comment: This sequence change replaces isoleucine, which is neutral and non-polar, with methionine, which is neutral and non-polar, at codon 3183 of the BRCA2 protein (p.Ile3183Met). This variant is not present in population databases (gnomAD no frequency). This variant has not been reported in the literature in individuals affected with BRCA2-related conditions. ClinVar contains an entry for this variant (Variation ID: 957872). Advanced modeling of protein sequence and biophysical properties (such as structural, functional, and spatial information, amino acid conservation, physicochemical variation, residue mobility, and thermodynamic stability) performed at Invitae indicates that this missense variant is not expected to disrupt BRCA2 protein function with a negative predictive value of 95%. In summary, the available evidence is currently insufficient to determine the role of this variant in disease. Therefore, it has been classified as a Variant of Uncertain Significance.